The following is an entry in ClinVar:

ClinVar aggregate classification (germline): Uncertain significance (1 of 4 stars; one submission).

Conditions:
Ataxia-telangiectasia syndrome (AT). Also called: Ataxia-telangiectasia, complementation group D; AT, COMPLEMENTATION GROUP C; ATAXIA-TELANGIECTASIA, COMPLEMENTATION GROUP A; ATAXIA-TELANGIECTASIA, FRESNO VARIANT; Ataxia-telangiectasia, complementation group E; LOUIS-BAR SYNDROME. Identifiers: Orphanet 100, MedGen C0004135, MONDO:0008840, OMIM 208900.

Submission:

Labcorp Genetics (formerly Invitae), Labcorp
Classification: Uncertain significance for Ataxia-telangiectasia syndrome. Last evaluated: 2021-12-27. Review status: criteria provided, single submitter. Criteria: Invitae Variant Classification Sherloc (09022015). Collection method: clinical testing. Allele origin: germline.
Comment: In summary, the available evidence is currently insufficient to determine the role of this variant in disease. Therefore, it has been classified as a Variant of Uncertain Significance. This variant has not been reported in the literature in individuals affected with ATM-related conditions. Advanced modeling of protein sequence and biophysical properties (such as structural, functional, and spatial information, amino acid conservation, physicochemical variation, residue mobility, and thermodynamic stability) performed at Invitae indicates that this missense variant is expected to disrupt ATM protein function. This variant is not present in population databases (gnomAD no frequency). This sequence change replaces valine, which is neutral and non-polar, with aspartic acid, which is acidic and polar, at codon 2617 of the ATM protein (p.Val2617Asp).

NM_000051.4(ATM):c.7850T>A (p.Val2617Asp)

Genes: ATM (ATM serine/threonine kinase; plus strand), C11orf65 (chromosome 11 open reading frame 65; minus strand). Cytogenetic location: 11q22.3.
Variant type: single nucleotide variant.
Coding change: c.7850T>A on transcript NM_000051.4 (MANE Select); coding-DNA position 7850, T replaced by A.
Protein change: p.Val2617Asp; replaces valine 2617 with aspartic acid.
Molecular consequence: missense variant. On other transcripts: intron variant (2).
Genome position (GRCh38, 1-based): chr11:108,332,823, T>A. VCF-style: chr11-108332823-T-A. GRCh37 (hg19) VCF-style: chr11-108203550-T-A.
Other names: c.7850T>A, p.Val2617Asp (NM_001351834.2); c.641-23752A>T (NM_001330368.2); c.*38+2397A>T (NM_001351110.2); short protein forms V2617D.
Identifiers: ClinVar variation 2024696 (VCV002024696.4), dbSNP rs2136566226, ClinGen allele CA382561367.